The following is an entry in ClinVar:

ClinVar aggregate classification (germline): Uncertain significance (1 of 4 stars; one submission).

gnomAD v4.1: 2 of 1,497,788 alleles (0.00013%); highest among the groups gnomAD compares: African/African-American, 0.0014%; no homozygotes.

Submission:

Labcorp Genetics (formerly Invitae), Labcorp
Classification: Uncertain significance. Last evaluated: 2025-04-21. Review status: criteria provided, single submitter. Criteria: Invitae Variant Classification Sherloc (09022015). Collection method: clinical testing. Allele origin: germline.
Comment: This sequence change replaces proline, which is neutral and non-polar, with serine, which is neutral and polar, at codon 18 of the MAGEL2 protein (p.Pro18Ser). This variant is present in population databases (no rsID available, gnomAD 0.002%). This variant has not been reported in the literature in individuals affected with MAGEL2-related conditions. Experimental studies and prediction algorithms are not available or were not evaluated, and the functional significance of this variant is currently unknown. In summary, the available evidence is currently insufficient to determine the role of this variant in disease. Therefore, it has been classified as a Variant of Uncertain Significance.

NM_019066.5(MAGEL2):c.52C>T (p.Pro18Ser)

Gene: MAGEL2 (MAGE family member L2; minus strand). Cytogenetic location: 15q11.2.
Variant type: single nucleotide variant.
Coding change: c.52C>T on transcript NM_019066.5 (MANE Select); coding-DNA position 52, C replaced by T.
Protein change: p.Pro18Ser; replaces proline 18 with serine.
Molecular consequence: missense variant.
Genome position (GRCh38, 1-based): chr15:23,647,691, G>A on the plus strand (C>T on the coding strand, the complement: MAGEL2 is on the minus strand). VCF-style: chr15-23647691-G-A. GRCh37 (hg19) VCF-style: chr15-23892838-G-A.
Other names: short protein forms P18S.
Identifiers: ClinVar variation 4759952 (VCV004759952.1).